The following is an entry in ClinVar:

NM_005228.5(EGFR):c.1928T>A (p.Ile643Asn)

Gene: EGFR (epidermal growth factor receptor; plus strand). Cytogenetic location: 7p11.2.
Variant type: single nucleotide variant.
Coding change: c.1928T>A on transcript NM_005228.5 (MANE Select); coding-DNA position 1928, T replaced by A.
Protein change: p.Ile643Asn; replaces isoleucine 643 with asparagine.
Molecular consequence: missense variant.
Genome position (GRCh38, 1-based): chr7:55,172,991, T>A. VCF-style: chr7-55172991-T-A. GRCh37 (hg19) VCF-style: chr7-55240684-T-A.
Other names: c.1793T>A, p.Ile598Asn (NM_001346897.2, NM_001346899.2); c.1928T>A, p.Ile643Asn (NM_001346898.2); c.1769T>A, p.Ile590Asn (NM_001346900.2); c.1127T>A, p.Ile376Asn (NM_001346941.2); short protein forms I376N, I590N, I643N, I598N.
Identifiers: ClinVar variation 1398513 (VCV001398513.6), dbSNP rs1584222116, ClinGen allele CA367582862.

ClinVar aggregate classification (germline): Uncertain significance (1 of 4 stars; one submission).

Conditions:
EGFR-related lung cancer (EGFR). Identifiers: MedGen CN130014.

Submission:

Labcorp Genetics (formerly Invitae), Labcorp
Classification: Uncertain significance for EGFR-related lung cancer. Last evaluated: 2021-11-05. Review status: criteria provided, single submitter. Criteria: Invitae Variant Classification Sherloc (09022015). Collection method: clinical testing. Allele origin: germline.
Comment: In summary, the available evidence is currently insufficient to determine the role of this variant in disease. Therefore, it has been classified as a Variant of Uncertain Significance. Algorithms developed to predict the effect of missense changes on protein structure and function are either unavailable or do not agree on the potential impact of this missense change (SIFT: "Deleterious"; PolyPhen-2: "Benign"; Align-GVGD: "Class C0"). This variant has not been reported in the literature in individuals affected with EGFR-related conditions. This variant is not present in population databases (gnomAD no frequency). This sequence change replaces isoleucine, which is neutral and non-polar, with asparagine, which is neutral and polar, at codon 643 of the EGFR protein (p.Ile643Asn).